The following is an entry in ClinVar:

ClinVar aggregate classification (germline): Uncertain significance. Review status: criteria provided, multiple submitters, no conflicts (2 of 4 stars). 5 submissions from 5 submitters: Uncertain significance (4). 1 of the submissions does not count toward it. Last evaluated 2023-07-19.

Conditions:
Distal myopathy. Identifiers: Orphanet 599, MedGen C0751336, MONDO:0018949.
SYNE1-related disorder. Also called: SYNE1-related disorders; SYNE1-related disease; SYNE1-related condition.
Emery-Dreifuss muscular dystrophy 4, autosomal dominant (EDMD4). Also called: EMERY-DREIFUSS MUSCULAR DYSTROPHY 4 WITH VARIABLE FEATURES. Identifiers: Orphanet 261, MedGen C2751807, MONDO:0013071, OMIM 612998.
Autosomal recessive ataxia, Beauce type. Also called: SYNE1-Related Autosomal Recessive Cerebellar Ataxia; Spinocerebellar ataxia, autosomal recessive 8; ATAXIA, RECESSIVE, OF BEAUCE; SYNE1 Deficiency. Identifiers: Orphanet 88644, MedGen C1853116, MONDO:0012549, OMIM 610743.

Allele frequency attached by ClinVar (database versions not stated): ESP Exome Variant Server 0.00008; gnomAD 0.00006; TOPMed 0.00007.
gnomAD v4.1: 139 of 1,613,940 alleles (0.0086%); highest among the groups gnomAD compares: Non-Finnish European, 0.01%; no homozygotes.

Submissions (5):

Revvity Omics, Revvity
Classification: Uncertain significance. Last evaluated: 2023-07-19. Review status: criteria provided, single submitter. Criteria: ACMG Guidelines, 2015. Collection method: clinical testing. Allele origin: germline.

Labcorp Genetics (formerly Invitae), Labcorp
Classification: Uncertain significance for Emery-Dreifuss muscular dystrophy 4, autosomal dominant; Autosomal recessive ataxia, Beauce type. Last evaluated: 2022-08-16. Review status: criteria provided, single submitter. Criteria: Invitae Variant Classification Sherloc (09022015). Collection method: clinical testing. Allele origin: germline.
Comment: This sequence change replaces arginine, which is basic and polar, with glutamine, which is neutral and polar, at codon 1528 of the SYNE1 protein (p.Arg1528Gln). This variant is present in population databases (rs149606474, gnomAD 0.009%). This variant has not been reported in the literature in individuals affected with SYNE1-related conditions. ClinVar contains an entry for this variant (Variation ID: 566092). Algorithms developed to predict the effect of missense changes on protein structure and function are either unavailable or do not agree on the potential impact of this missense change (SIFT: "Deleterious"; PolyPhen-2: "Benign"; Align-GVGD: "Class C0"). In summary, the available evidence is currently insufficient to determine the role of this variant in disease. Therefore, it has been classified as a Variant of Uncertain Significance.

Cambridge Genomics Laboratory, East Genomic Laboratory Hub, NHS Genomic Medicine Service
Classification: Uncertain significance for Distal myopathy. Last evaluated: 2019-05-16. Review status: criteria provided, single submitter. Criteria: ACGS Best Practice Guidelines for Variant Classification in Rare Disease 2020. Collection method: clinical testing. Allele origin: germline. Affected: yes. Observed: 1 variant allele.

Athena Diagnostics
Classification: Uncertain significance. Last evaluated: 2018-01-31. Review status: criteria provided, single submitter. Criteria: Athena Diagnostics Criteria. Collection method: clinical testing. Allele origin: germline.

PreventionGenetics, part of Exact Sciences
Classification: Uncertain significance for SYNE1-related condition. Last evaluated: 2023-12-19. Review status: no assertion criteria provided. Collection method: clinical testing. Allele origin: germline. Not counted in ClinVar's aggregate classification.
Comment: The SYNE1 c.4583G>A variant is predicted to result in the amino acid substitution p.Arg1528Gln. This variant was reported in the heterozygous state in an individual with Emery-Dreifuss muscular dystrophy-like phenotypes; however, this individual also carried additional variants in muscular dystrophy-associated genes (described as p.Arg1521Gln in patient MD-44, Meinke et al. 2020. PubMed ID: 31862442). This variant is reported in 0.0085% of alleles in individuals of Latino descent in gnomAD. At this time, the clinical significance of this variant is uncertain due to the absence of conclusive functional and genetic evidence.

NM_182961.4(SYNE1):c.4562G>A (p.Arg1521Gln)

Gene: SYNE1 (spectrin repeat containing nuclear envelope protein 1; minus strand). Cytogenetic location: 6q25.2.
Variant type: single nucleotide variant.
Coding change: c.4562G>A on transcript NM_182961.4 (MANE Select); coding-DNA position 4562, G replaced by A.
Protein change: p.Arg1521Gln; replaces arginine 1521 with glutamine.
Molecular consequence: missense variant.
Genome position (GRCh38, 1-based): chr6:152,430,609, C>T on the plus strand (G>A on the coding strand, the complement: SYNE1 is on the minus strand). VCF-style: chr6-152430609-C-T. GRCh37 (hg19) VCF-style: chr6-152751744-C-T.
Other names: c.4583G>A, p.Arg1528Gln (NM_033071.5); short protein forms R1528Q, R1521Q.
Identifiers: ClinVar variation 566092 (VCV000566092.14), dbSNP rs149606474, ClinGen allele CA4058522.
Genomic context (GRCh38, chr6:152,430,609, plus strand): 5'-TGTGCATGCTCTCGAAGCTCTTCCCCGTATCTTCTTATTTGTGTCAACTTGGCTTTAATT[C>T]GAGCAGATTCTCCAGTGGTAACAAACTGAGCAAAAGACTGGGCTTCTTCTTCTAATCCTA-3'
Protein context (NP_892006.3, residues 1511-1531): AQFVTTGESA[Arg1521Gln]IKAKLTQIRR